The following is an entry in ClinVar:

ClinVar aggregate classification (germline): Conflicting classifications of pathogenicity. Review status: criteria provided, conflicting classifications (1 of 4 stars). 2 submissions from 2 submitters: Uncertain significance (1); Likely benign (1). Last evaluated 2023-05-01.

Allele frequency attached by ClinVar (database versions not stated): 1000 Genomes Project 30x 0.00203; 1000 Genomes Project 0.00220; gnomAD 0.00439 and 0.00448; TOPMed 0.00466; gnomAD exomes 0.00678.

Submissions (2):

CeGaT Center for Human Genetics Tuebingen
Classification: Likely benign. Last evaluated: 2023-05-01. Review status: criteria provided, single submitter. Criteria: CeGaT Center For Human Genetics Tuebingen Variant Classification Criteria Version 2. Collection method: clinical testing. Allele origin: germline. Affected: yes. Observed: 4 variant alleles.
Comment: DNAAF1: BS2

Breakthrough Genomics
Classification: Uncertain significance. Review status: criteria provided, single submitter. Criteria: ACMG Guidelines, 2015. Collection method: not provided. Allele origin: germline. Inheritance: Autosomal recessive inheritance. Affected: yes.

NC_000016.10:g.84145269G>A

Genes: DNAAF1 (dynein axonemal assembly factor 1; plus strand), LOC130059566 (ATAC-STARR-seq lymphoblastoid silent region 7780; plus strand). Cytogenetic location: 16q24.1.
Variant type: single nucleotide variant.
Genome position: GRCh38 VCF-style: chr16-84145269-G-A. GRCh37 (hg19) VCF-style: chr16-84178874-G-A.
Identifiers: ClinVar variation 320759 (VCV000320759.30), dbSNP rs558403928, ClinGen allele CA10648149.
Genomic context (GRCh38, chr16:84,145,269, plus strand): 5'-TCTCAGACCCGCCCCCACCCCCCGGCGTCCCCAGCGCGCCGGTCCGTCCCGAGTGCGCGT[G>A]CGCAGCGGTTGCCTGGGCGACCGGGGAAGCGTTGGGCTGTAAAGACTAGGGCGCCAGCGG-3'